The following is an entry in ClinVar:

NM_004667.6(HERC2):c.11698G>A (p.Glu3900Lys)

Gene: HERC2 (HECT and RLD domain containing E3 ubiquitin protein ligase 2; minus strand). Cytogenetic location: 15q13.1.
Variant type: single nucleotide variant.
Coding change: c.11698G>A on transcript NM_004667.6 (MANE Select); coding-DNA position 11698, G replaced by A.
Protein change: p.Glu3900Lys; replaces glutamic acid 3900 with lysine.
Molecular consequence: missense variant.
Genome position (GRCh38, 1-based): chr15:28,142,240, C>T on the plus strand (G>A on the coding strand, the complement: HERC2 is on the minus strand). VCF-style: chr15-28142240-C-T. GRCh37 (hg19) VCF-style: chr15-28387386-C-T.
Other names: c.11698G>A (NM_004667.4); short protein forms E3900K.
Identifiers: ClinVar variation 393052 (VCV000393052.6), dbSNP rs369782972, ClinGen allele CA7440507.

ClinVar aggregate classification (germline): Uncertain significance. Review status: criteria provided, multiple submitters, no conflicts (2 of 4 stars). 2 submissions from 2 submitters: Uncertain significance (2). Last evaluated 2025-12-03.

Conditions:
Inborn genetic diseases. Identifiers: MedGen C0950123, MeSH D030342.

Allele frequency attached by ClinVar (database versions not stated): TOPMed 0.00004; gnomAD 0.00005 and 0.00004; ESP Exome Variant Server 0.00008; ExAC 0.00003; 1000 Genomes Project 0.00020; gnomAD exomes 0.00004; 1000 Genomes Project 30x 0.00031.
gnomAD v4.1: 67 of 1,613,874 alleles (0.0042%); highest among the groups gnomAD compares: Admixed American, 0.0067%; no homozygotes.

Submissions (2):

GeneDx
Classification: Uncertain significance. Last evaluated: 2025-12-03. Review status: criteria provided, single submitter. Criteria: GeneDx Variant Classification Process June 2021. Collection method: clinical testing. Allele origin: germline. Affected: yes.
Comment: In silico analysis supports that this missense variant has a deleterious effect on protein structure/function; Identified as a germline variant in a patient with lung cancer in published literature (PMID: 40119744); This variant is associated with the following publications: (PMID: 40119744)

Ambry Genetics
Classification: Uncertain significance for Inborn genetic diseases. Last evaluated: 2021-11-29. Review status: criteria provided, single submitter. Criteria: Ambry Variant Classification Scheme 2023. Collection method: clinical testing. Allele origin: germline.